The following is an entry in ClinVar:

ClinVar aggregate classification (germline): Uncertain significance (1 of 4 stars; one submission).

gnomAD v4.1: 3 of 1,603,000 alleles (0.00019%); highest among the groups gnomAD compares: East Asian, 0.0045%; no homozygotes.

Submission:

Women's Health and Genetics/Laboratory Corporation of America, LabCorp
Classification: Uncertain significance. Last evaluated: 2025-06-05. Review status: criteria provided, single submitter. Criteria: LabCorp Variant Classification Summary - May 2015. Collection method: clinical testing. Allele origin: germline.
Comment: Variant summary: NBEAL2 c.2346C>A (p.Asp782Glu) results in a conservative amino acid change in the encoded protein sequence. Algorithms developed to predict the effect of missense changes on protein structure and function are either unavailable or do not agree on the potential impact of this missense change. The frequency data for this variant in gnomAD is considered unreliable, as metrics indicate poor data quality at this position. To our knowledge, no occurrence of c.2346C>A in individuals affected with Gray Platelet Syndrome and no experimental evidence demonstrating its impact on protein function have been reported. No submitters have cited clinical-significance assessments for this variant to ClinVar. Based on the evidence outlined above, the variant was classified as uncertain significance.

NM_015175.3(NBEAL2):c.2346C>A (p.Asp782Glu)

Gene: NBEAL2 (neurobeachin like 2; plus strand). Cytogenetic location: 3p21.31.
Variant type: single nucleotide variant.
Coding change: c.2346C>A on transcript NM_015175.3 (MANE Select); coding-DNA position 2346, C replaced by A.
Protein change: p.Asp782Glu; replaces aspartic acid 782 with glutamic acid.
Molecular consequence: missense variant.
Genome position (GRCh38, 1-based): chr3:46,996,465, C>A. VCF-style: chr3-46996465-C-A. GRCh37 (hg19) VCF-style: chr3-47037955-C-A.
Other names: c.2244C>A, p.Asp748Glu (NM_001365116.2); short protein forms D748E, D782E.
Identifiers: ClinVar variation 3907347 (VCV003907347.1).
Genomic context (GRCh38, chr3:46,996,465, plus strand): 5'-CTCCACAGGGCTTGGCTGGGGGTCCGGGCTGGTGGCCCCCCTGCAGGAGGGCAGCATCGA[C>A]TCTACCCTCGCAGGCACCCAGGACACTCGGTGGGGCAGCCCCACATCCCTGGAGGGTGAG-3'
Protein context (NP_055990.1, residues 772-792): LVAPLQEGSI[Asp782Glu]STLAGTQDTR